The following is an entry in ClinVar:

NM_001943.5(DSG2):c.442_450del (p.Lys148_Leu150del)

Gene: DSG2 (desmoglein 2; plus strand). Cytogenetic location: 18q12.1.
Variant type: Deletion.
Coding change: c.442_450del on transcript NM_001943.5 (MANE Select); coding-DNA positions 442 to 450, 9 bases deleted (AAGGTTCTT; older notation c.442_450delAAGGTTCTT).
Protein change: p.Lys148_Leu150del.
Molecular consequence: inframe deletion.
Genome position (GRCh38, 1-based): chr18:31,521,162-31,521,170, AAGGTTCTT deleted; deleting any 9 consecutive bases within chr18:31,521,160-31,521,170 gives the same sequence; the c. name uses the placement nearest the transcript's 3' end. VCF-style (leftmost placement, unchanged base first): chr18-31521159-ATTAAGGTTC-A. GRCh37 (hg19) VCF-style: chr18-29101122-ATTAAGGTTC-A.
Identifiers: ClinVar variation 1037918 (VCV001037918.8), dbSNP rs2073125611, ClinGen allele CA2293855466.
Genomic context (GRCh38, chr18:31,521,159, plus strand): 5'-CTAACAGGTTACGCTTTGGATGCAAGAGGAAACAATGTAGAGAAACCCTTAGAGCTACGC[ATTAAGGTTC>A]TTGATATCAATGACAACGAACCAGTGTTCACACAGGATGTCTTTGTTGGGTCTGTTGAAG-3'

ClinVar aggregate classification (germline): Uncertain significance (1 of 4 stars; one submission).

Conditions:
Arrhythmogenic right ventricular dysplasia 10. Also called: Arrhythmogenic Right Ventricular Dysplasia/Cardiomyopathy10; ARRHYTHMOGENIC RIGHT VENTRICULAR DYSPLASIA, FAMILIAL, 10; Arrhythmogenic right ventricular dysplasia/cardiomyopathy, type 10. Identifiers: MedGen C1857777, MONDO:0012434, OMIM 610193.

Submission:

Labcorp Genetics (formerly Invitae), Labcorp
Classification: Uncertain significance for Arrhythmogenic right ventricular dysplasia 10. Last evaluated: 2024-08-12. Review status: criteria provided, single submitter. Criteria: Invitae Variant Classification Sherloc (09022015). Collection method: clinical testing. Allele origin: germline.
Comment: This variant, c.442_450del, results in the deletion of 3 amino acid(s) of the DSG2 protein (p.Lys148_Leu150del), but otherwise preserves the integrity of the reading frame. This variant is not present in population databases (gnomAD no frequency). This variant has not been reported in the literature in individuals affected with DSG2-related conditions. ClinVar contains an entry for this variant (Variation ID: 1037918). Experimental studies and prediction algorithms are not available or were not evaluated, and the functional significance of this variant is currently unknown. In summary, the available evidence is currently insufficient to determine the role of this variant in disease. Therefore, it has been classified as a Variant of Uncertain Significance.